The following is an entry in ClinVar:

NM_000444.6(PHEX):c.1638C>A (p.Asn546Lys)

Gene: PHEX (phosphate regulating endopeptidase X-linked; plus strand). Cytogenetic location: Xp22.11.
Variant type: single nucleotide variant.
Coding change: c.1638C>A on transcript NM_000444.6 (MANE Select); coding-DNA position 1638, C replaced by A.
Protein change: p.Asn546Lys; replaces asparagine 546 with lysine.
Molecular consequence: missense variant.
Genome position (GRCh38, 1-based): chrX:22,190,495, C>A. VCF-style: chrX-22190495-C-A. GRCh37 (hg19) VCF-style: chrX-22208612-C-A.
Other names: c.1638C>A, p.Asn546Lys (NM_001282754.2); short protein forms N546K.
Identifiers: ClinVar variation 2701895 (VCV002701895.3), dbSNP rs2518621852, ClinGen allele CA412575134.

ClinVar aggregate classification (germline): Uncertain significance (1 of 4 stars; one submission).

Submission:

Labcorp Genetics (formerly Invitae), Labcorp
Classification: Uncertain significance. Last evaluated: 2023-12-09. Review status: criteria provided, single submitter. Criteria: Invitae Variant Classification Sherloc (09022015). Collection method: clinical testing. Allele origin: germline.
Comment: This sequence change replaces asparagine, which is neutral and polar, with lysine, which is basic and polar, at codon 546 of the PHEX protein (p.Asn546Lys). This variant is not present in population databases (gnomAD no frequency). This variant has not been reported in the literature in individuals affected with PHEX-related conditions. Advanced modeling of protein sequence and biophysical properties (such as structural, functional, and spatial information, amino acid conservation, physicochemical variation, residue mobility, and thermodynamic stability) has been performed at Invitae for this missense variant, however the output from this modeling did not meet the statistical confidence thresholds required to predict the impact of this variant on PHEX protein function. In summary, the available evidence is currently insufficient to determine the role of this variant in disease. Therefore, it has been classified as a Variant of Uncertain Significance.